The following is an entry in ClinVar:

ClinVar aggregate classification (germline): Pathogenic (1 of 4 stars; one submission).

Conditions:
Tooth agenesis, selective, 4 (STHAG4). Also called: LATERAL INCISORS, ABSENCE OF; LATERAL INCISORS, PEGGED OR MISSING; SUCCEDANEOUS TEETH, AGENESIS OF; TOOTH AGENESIS, SELECTIVE, 4, WITH OR WITHOUT ECTODERMAL DYSPLASIA. Identifiers: Orphanet 99798, MedGen C1835492, MONDO:0007881, OMIM 150400. Disease mechanism: loss of function.
Odonto-onycho-dermal dysplasia. Identifiers: Orphanet 2721, MedGen C0796093, MONDO:0009773, OMIM 257980.

Submission:

Labcorp Genetics (formerly Invitae), Labcorp
Classification: Pathogenic for Tooth agenesis, selective, 4; Odonto-onycho-dermal dysplasia. Last evaluated: 2024-03-26. Review status: criteria provided, single submitter. Criteria: Invitae Variant Classification Sherloc (09022015). Collection method: clinical testing. Allele origin: germline.
Comment: This sequence change results in a frameshift in the WNT10A gene (p.Thr267Valfs*160). While this is not anticipated to result in nonsense mediated decay, it is expected to disrupt the last 151 amino acid(s) of the WNT10A protein and extend the protein by 8 additional amino acid residues. This variant is not present in population databases (gnomAD no frequency). This variant has not been reported in the literature in individuals affected with WNT10A-related conditions. This variant disrupts a region of the WNT10A protein in which other variant(s) (p.Glu390*) have been determined to be pathogenic (PMID: 24902757, 30569517). This suggests that this is a clinically significant region of the protein, and that variants that disrupt it are likely to be disease-causing. For these reasons, this variant has been classified as Pathogenic.

Literature cited by the submitters: PubMed 24902757; PubMed 30569517.

NM_025216.3(WNT10A):c.799_800del (p.Thr267fs)

Gene: WNT10A (Wnt family member 10A; plus strand). Cytogenetic location: 2q35.
Variant type: Deletion.
Coding change: c.799_800del on transcript NM_025216.3 (MANE Select); coding-DNA positions 799 to 800, 2 bases deleted (AC; older notation c.799_800delAC).
Protein change: p.Thr267fs; shifts the reading frame from threonine 267.
Molecular consequence: frameshift variant.
Genome position (GRCh38, 1-based): chr2:218,892,816-218,892,817, AC deleted; deleting any 2 consecutive bases within chr2:218,892,815-218,892,817 gives the same sequence; the c. name uses the placement nearest the transcript's 3' end. VCF-style (leftmost placement, unchanged base first): chr2-218892814-GCA-G. GRCh37 (hg19) VCF-style: chr2-219757536-GCA-G.
Other names: short protein forms T267fs.
Identifiers: ClinVar variation 3751425 (VCV003751425.2).